The following is an entry in ClinVar:

NM_015271.5(TRIM2):c.648C>G (p.Ile216Met)

Gene: TRIM2 (tripartite motif containing 2; plus strand). Cytogenetic location: 4q31.3.
Variant type: single nucleotide variant.
Coding change: c.648C>G on transcript NM_015271.5 (MANE Select); coding-DNA position 648, C replaced by G.
Protein change: p.Ile216Met; replaces isoleucine 216 with methionine.
Molecular consequence: missense variant. On other transcripts: intron variant (2).
Genome position (GRCh38, 1-based): chr4:153,294,347, C>G. VCF-style: chr4-153294347-C-G. GRCh37 (hg19) VCF-style: chr4-154215499-C-G.
Other names: c.567C>G, p.Ile189Met (NM_001130067.2, NM_001351056.2, NM_001375512.1 and 5 more transcripts); c.621C>G, p.Ile207Met (NM_001351054.2); c.618C>G, p.Ile206Met (NM_001351055.2); c.192C>G, p.Ile64Met (NM_001351057.2); c.741C>G, p.Ile247Met (NM_001375488.1); c.738C>G, p.Ile246Met (NM_001375489.1); c.648C>G, p.Ile216Met (NM_001375490.1); c.645C>G, p.Ile215Met (NM_001375491.1); and 3 more; short protein forms I206M, I103M, I189M, I216M, I246M, I207M, I247M, I215M.
Identifiers: ClinVar variation 1525799 (VCV001525799.8), dbSNP rs1352327505, ClinGen allele CA358471942.

ClinVar aggregate classification (germline): Uncertain significance (1 of 4 stars; one submission).

Conditions:
Charcot-Marie-Tooth disease type 2R. Also called: Charcot-Marie-Tooth disease, axonal, type 2R; CHARCOT-MARIE-TOOTH NEUROPATHY, TYPE 2R; CHARCOT-MARIE-TOOTH DISEASE, AXONAL, AUTOSOMAL RECESSIVE, TYPE 2R. Identifiers: Orphanet 397968, MedGen C3809655, MONDO:0014208, OMIM 615490.

Allele frequency attached by ClinVar (database versions not stated): gnomAD exomes below 0.00001; gnomAD 0.00001.
gnomAD v4.1: 2 of 1,614,038 alleles (0.00012%); highest among the groups gnomAD compares: East Asian, 0.0045%; no homozygotes.

Submission:

Labcorp Genetics (formerly Invitae), Labcorp
Classification: Uncertain significance for Charcot-Marie-Tooth disease type 2R. Last evaluated: 2022-07-02. Review status: criteria provided, single submitter. Criteria: Invitae Variant Classification Sherloc (09022015). Collection method: clinical testing. Allele origin: germline.
Comment: In summary, the available evidence is currently insufficient to determine the role of this variant in disease. Therefore, it has been classified as a Variant of Uncertain Significance. Algorithms developed to predict the effect of missense changes on protein structure and function are either unavailable or do not agree on the potential impact of this missense change (SIFT: "Deleterious"; PolyPhen-2: "Possibly Damaging"; Align-GVGD: "Class C0"). ClinVar contains an entry for this variant (Variation ID: 1525799). This variant has not been reported in the literature in individuals affected with TRIM2-related conditions. This variant is present in population databases (no rsID available, gnomAD 0.06%). This sequence change replaces isoleucine, which is neutral and non-polar, with methionine, which is neutral and non-polar, at codon 189 of the TRIM2 protein (p.Ile189Met).